The following is an entry in ClinVar:

NM_004380.3(CREBBP):c.4268C>G (p.Pro1423Arg)

Gene: CREBBP (CREB binding lysine acetyltransferase; minus strand). Cytogenetic location: 16p13.3.
Variant type: single nucleotide variant.
Coding change: c.4268C>G on transcript NM_004380.3 (MANE Select); coding-DNA position 4268, C replaced by G.
Protein change: p.Pro1423Arg; replaces proline 1423 with arginine.
Molecular consequence: missense variant.
Genome position (GRCh38, 1-based): chr16:3,739,590, G>C on the plus strand (C>G on the coding strand, the complement: CREBBP is on the minus strand). VCF-style: chr16-3739590-G-C. GRCh37 (hg19) VCF-style: chr16-3789591-G-C.
Other names: c.4154C>G, p.Pro1385Arg (NM_001079846.1); short protein forms P1385R, P1423R.
Identifiers: ClinVar variation 4977062 (VCV004977062.1).

ClinVar aggregate classification (germline): Uncertain significance (1 of 4 stars; one submission).

Conditions:
CREBBP-related disorder. Also called: CREBBP-related condition; CREBBP-related disorders.

gnomAD v4.1: 2 of 1,614,162 alleles (0.00012%); highest among the groups gnomAD compares: Non-Finnish European, 0.00017%; no homozygotes.

Submission:

PreventionGenetics, part of Exact Sciences
Classification: Uncertain significance for CREBBP-related condition. Last evaluated: 2025-08-07. Review status: criteria provided, single submitter. Criteria: ACMG Guidelines, 2015. Collection method: clinical testing. Allele origin: germline.
Comment: The CREBBP c.4268C>G variant is predicted to result in the amino acid substitution p.Pro1423Arg. To our knowledge, this variant has not been reported in the literature. This variant is reported in 0.00088% of alleles in individuals of European (Non-Finnish) descent in gnomAD. A different amino acid change at this position (p.Pro1423Leu) was reported to have occurred apparently de novo in an individual from a large neurodevelopmental disorder cohort study (Supplementary Data 3, Zhou et al. 2022. PubMed ID: 35982159). At this time, the clinical significance of the c.4268C>G (p.Pro1423Arg) variant is uncertain due to the absence of conclusive functional and genetic evidence.